The following is an entry in ClinVar:

NM_138694.4(PKHD1):c.11641T>C (p.Trp3881Arg)

Gene: PKHD1 (PKHD1 ciliary IPT domain containing fibrocystin/polyductin; minus strand). Cytogenetic location: 6p12.3.
Variant type: single nucleotide variant.
Coding change: c.11641T>C on transcript NM_138694.4 (MANE Select); coding-DNA position 11641, T replaced by C.
Protein change: p.Trp3881Arg; replaces tryptophan 3881 with arginine.
Molecular consequence: missense variant.
Genome position (GRCh38, 1-based): chr6:51,632,589, A>G on the plus strand (T>C on the coding strand, the complement: PKHD1 is on the minus strand). VCF-style: chr6-51632589-A-G. GRCh37 (hg19) VCF-style: chr6-51497387-A-G.
Other names: short protein forms W3881R.
Identifiers: ClinVar variation 4999751 (VCV004999751.1).

ClinVar aggregate classification (germline): Uncertain significance (1 of 4 stars; one submission).

Conditions:
PKHD1-related disorder. Also called: PKHD1-related condition.

gnomAD v4.1: 1 of 1,613,254 alleles (0.000062%); highest among the groups gnomAD compares: African/African-American, 0.0013%; no homozygotes.

Submission:

PreventionGenetics, part of Exact Sciences
Classification: Uncertain significance for PKHD1-related condition. Last evaluated: 2024-10-17. Review status: criteria provided, single submitter. Criteria: ACMG Guidelines, 2015. Collection method: clinical testing. Allele origin: germline.
Comment: The PKHD1 c.11641T>C variant is predicted to result in the amino acid substitution p.Trp3881Arg. To our knowledge, this variant has not been reported in the literature or in a large population database (gnomAD), indicating this variant is rare. At this time, the clinical significance of this variant is uncertain due to the absence of conclusive functional and genetic evidence.